The following is an entry in ClinVar:

ClinVar aggregate classification (germline): Uncertain significance (1 of 4 stars; one submission).

Conditions:
Landau-Kleffner syndrome (FESD). Also called: EPILEPSY, FOCAL, WITH SPEECH DISORDER AND WITH OR WITHOUT MENTAL RETARDATION; APHASIA, ACQUIRED, WITH EPILEPSY. Identifiers: Orphanet 1945, Orphanet 725, Orphanet 98818, MedGen C0282512, MONDO:0009509, OMIM 245570.

Allele frequency attached by ClinVar (database versions not stated): ExAC 0.00001.
gnomAD v4.1: 7 of 1,614,088 alleles (0.00043%); highest among the groups gnomAD compares: Non-Finnish European, 0.00059%; no homozygotes.

Submission:

Labcorp Genetics (formerly Invitae), Labcorp
Classification: Uncertain significance for Landau-Kleffner syndrome. Last evaluated: 2023-10-24. Review status: criteria provided, single submitter. Criteria: Invitae Variant Classification Sherloc (09022015). Collection method: clinical testing. Allele origin: germline.
Comment: This sequence change replaces leucine, which is neutral and non-polar, with isoleucine, which is neutral and non-polar, at codon 832 of the GRIN2A protein (p.Leu832Ile). This variant is present in population databases (rs145495027, gnomAD 0.002%). This missense change has been observed in individual(s) with clinical features of GRIN2A-related conditions (Invitae). ClinVar contains an entry for this variant (Variation ID: 1449001). Advanced modeling of protein sequence and biophysical properties (such as structural, functional, and spatial information, amino acid conservation, physicochemical variation, residue mobility, and thermodynamic stability) performed at Invitae indicates that this missense variant is not expected to disrupt GRIN2A protein function with a negative predictive value of 95%. In summary, the available evidence is currently insufficient to determine the role of this variant in disease. Therefore, it has been classified as a Variant of Uncertain Significance.

NM_001134407.3(GRIN2A):c.2494C>A (p.Leu832Ile)

Gene: GRIN2A (glutamate ionotropic receptor NMDA type subunit 2A; minus strand). Cytogenetic location: 16p13.2.
Variant type: single nucleotide variant.
Coding change: c.2494C>A on transcript NM_001134407.3 (MANE Select); coding-DNA position 2494, C replaced by A.
Protein change: p.Leu832Ile; replaces leucine 832 with isoleucine.
Molecular consequence: missense variant.
Genome position (GRCh38, 1-based): chr16:9,768,952, G>T on the plus strand (C>A on the coding strand, the complement: GRIN2A is on the minus strand). VCF-style: chr16-9768952-G-T. GRCh37 (hg19) VCF-style: chr16-9862809-G-T.
Other names: c.2494C>A, p.Leu832Ile (NM_000833.5, NM_001134408.2); short protein forms L832I.
Identifiers: ClinVar variation 1449001 (VCV001449001.8), dbSNP rs145495027, ClinGen allele CA7896501.